The following is an entry in ClinVar:

NM_001184880.2(PCDH19):c.3046G>T (p.Ala1016Ser)

Gene: PCDH19 (protocadherin 19; minus strand). Cytogenetic location: Xq22.1.
Variant type: single nucleotide variant.
Coding change: c.3046G>T on transcript NM_001184880.2 (MANE Select); coding-DNA position 3046, G replaced by T.
Protein change: p.Ala1016Ser; replaces alanine 1016 with serine.
Molecular consequence: missense variant.
Genome position (GRCh38, 1-based): chrX:100,296,678, C>A on the plus strand (G>T on the coding strand, the complement: PCDH19 is on the minus strand). VCF-style: chrX-100296678-C-A. GRCh37 (hg19) VCF-style: chrX-99551676-C-A.
Other names: c.2905G>T, p.Ala969Ser (NM_001105243.2); c.2902G>T, p.Ala968Ser (NM_020766.3); short protein forms A1016S, A969S, A968S.
Identifiers: ClinVar variation 2195090 (VCV002195090.4), dbSNP rs1327141854, ClinGen allele CA414000569.

ClinVar aggregate classification (germline): Uncertain significance (1 of 4 stars; one submission).

Conditions:
Developmental and epileptic encephalopathy, 9 (DEE9). Also called: JUBERG-HELLMAN SYNDROME; Early infantile epileptic encephalopathy 9; EPILEPSY, FEMALE-RESTRICTED, WITH MENTAL RETARDATION; PCDH19-Related X-Linked Female-Limited Epilepsy with Mental Retardation. Identifiers: Orphanet 101039, Orphanet 2076, MedGen C1848137, MONDO:0010246, OMIM 300088. Disease mechanism: loss of function.

Allele frequency attached by ClinVar (database versions not stated): TOPMed 0.00001.

Submission:

Labcorp Genetics (formerly Invitae), Labcorp
Classification: Uncertain significance for Developmental and epileptic encephalopathy, 9. Last evaluated: 2022-08-12. Review status: criteria provided, single submitter. Criteria: Invitae Variant Classification Sherloc (09022015). Collection method: clinical testing. Allele origin: germline.
Comment: In summary, the available evidence is currently insufficient to determine the role of this variant in disease. Therefore, it has been classified as a Variant of Uncertain Significance. Algorithms developed to predict the effect of missense changes on protein structure and function are either unavailable or do not agree on the potential impact of this missense change (SIFT: "Deleterious"; PolyPhen-2: "Benign"; Align-GVGD: "Class C0"). This variant has not been reported in the literature in individuals affected with PCDH19-related conditions. This variant is not present in population databases (gnomAD no frequency). This sequence change replaces alanine, which is neutral and non-polar, with serine, which is neutral and polar, at codon 1016 of the PCDH19 protein (p.Ala1016Ser).